The following is an entry in ClinVar:

ClinVar aggregate classification (germline): Pathogenic/Likely pathogenic. Review status: criteria provided, multiple submitters, no conflicts (2 of 4 stars). 5 submissions from 5 submitters: Pathogenic (3); Likely pathogenic (1). 1 of the submissions does not count toward it. Last evaluated 2026-01-14.

Conditions:
Peroxisome biogenesis disorder 3A (Zellweger). Also called: PEROXISOMAL BIOGENESIS DISORDER 3A (ZELLWEGER); Peroxisome biogenesis disorder 3A. Identifiers: Orphanet 912, MedGen C3553929, MONDO:0013927, OMIM 614859.
Peroxisome biogenesis disorder type 3B. Identifiers: Orphanet 44, Orphanet 772, MedGen C3550693, MONDO:0009959, OMIM 266510.

Allele frequency attached by ClinVar (database versions not stated): gnomAD exomes below 0.00001 and 0.00001; ExAC 0.00002; gnomAD 0.00003.

Submissions (5):

Labcorp Genetics (formerly Invitae), Labcorp
Classification: Pathogenic for Peroxisome biogenesis disorder 3A (Zellweger). Last evaluated: 2026-01-14. Review status: criteria provided, single submitter. Criteria: Invitae Variant Classification Sherloc (09022015). Collection method: clinical testing. Allele origin: germline.
Comment: This sequence change creates a premature translational stop signal (p.Arg202*) in the PEX12 gene. It is expected to result in an absent or disrupted protein product. Loss-of-function variants in PEX12 are known to be pathogenic (PMID: 9090384, 9632816, 21031596). This variant is present in population databases (rs61752105, gnomAD 0.01%). This premature translational stop signal has been observed in individual(s) with Zellweger syndrome (PMID: 14571262, 21031596). ClinVar contains an entry for this variant (Variation ID: 551647). For these reasons, this variant has been classified as Pathogenic.

GeneDx
Classification: Pathogenic. Last evaluated: 2025-05-30. Review status: criteria provided, single submitter. Criteria: GeneDx Variant Classification Process June 2021. Collection method: clinical testing. Allele origin: germline. Affected: yes.
Comment: Not observed at significant frequency in large population cohorts (gnomAD); Nonsense variant predicted to result in protein truncation or nonsense mediated decay in a gene for which loss of function is a known mechanism of disease; This variant is associated with the following publications: (PMID: 21031596, 15542397, 14571262)

Fulgent Genetics
Classification: Likely pathogenic for Peroxisome biogenesis disorder type 3B; Peroxisome biogenesis disorder 3A (Zellweger). Last evaluated: 2024-05-16. Review status: criteria provided, single submitter. Criteria: ACMG Guidelines, 2015. Collection method: clinical testing. Allele origin: germline.

Baylor Genetics
Classification: Pathogenic for Peroxisome biogenesis disorder 3A (Zellweger). Last evaluated: 2024-03-04. Review status: criteria provided, single submitter. Criteria: ACMG Guidelines, 2015. Collection method: clinical testing. Allele origin: unknown.

Counsyl
Classification: Pathogenic for Peroxisome biogenesis disorder type 3B; Peroxisome biogenesis disorder 3A (Zellweger). Last evaluated: 2017-04-28. Review status: no assertion criteria provided. Collection method: clinical testing. Allele origin: unknown. Not counted in ClinVar's aggregate classification.

Literature cited by the submitters: PubMed 9090384 (cited by Labcorp Genetics (formerly Invitae), Labcorp); PubMed 9632816 (cited by Labcorp Genetics (formerly Invitae), Labcorp); PubMed 21031596 (cited by Labcorp Genetics (formerly Invitae), Labcorp and Counsyl); PubMed 14571262 (cited by Labcorp Genetics (formerly Invitae), Labcorp).

NM_000286.3(PEX12):c.604C>T (p.Arg202Ter)

Gene: PEX12 (peroxisomal biogenesis factor 12; minus strand). Cytogenetic location: 17q12.
Variant type: single nucleotide variant.
Coding change: c.604C>T on transcript NM_000286.3 (MANE Select); coding-DNA position 604, C replaced by T.
Protein change: p.Arg202Ter; replaces arginine 202 with a stop codon.
Molecular consequence: nonsense.
Genome position (GRCh38, 1-based): chr17:35,577,114, G>A on the plus strand (C>T on the coding strand, the complement: PEX12 is on the minus strand). VCF-style: chr17-35577114-G-A. GRCh37 (hg19) VCF-style: chr17-33904133-G-A.
Other names: short protein forms R202*.
Identifiers: ClinVar variation 551647 (VCV000551647.13), dbSNP rs61752105, ClinGen allele CA8504882.